The following is an entry in ClinVar:

ClinVar aggregate classification (germline): Conflicting classifications of pathogenicity. Review status: criteria provided, conflicting classifications (1 of 4 stars). 4 submissions from 4 submitters: Uncertain significance (2); Likely benign (2). Last evaluated 2025-12-16.

Conditions:
Mismatch repair cancer syndrome 3. Identifiers: MedGen C5436807, MONDO:0030841, OMIM 619097.
Hereditary nonpolyposis colorectal neoplasms. Identifiers: MedGen C0009405, MeSH D003123.
Lynch syndrome. Identifiers: Orphanet 144, MedGen C4552100, MONDO:0005835. Disease mechanism: loss of function.

Submissions (4):

Labcorp Genetics (formerly Invitae), Labcorp
Classification: Likely benign for Hereditary nonpolyposis colorectal neoplasms. Last evaluated: 2025-12-16. Review status: criteria provided, single submitter. Criteria: Invitae Variant Classification Sherloc (09022015). Collection method: clinical testing. Allele origin: germline.

Department of Pathology and Laboratory Medicine, Sinai Health System
Classification: Likely benign for Mismatch repair cancer syndrome 3. Last evaluated: 2024-06-10. Review status: criteria provided, single submitter. Criteria: ACMG Guidelines, 2015. Collection method: clinical testing. Allele origin: germline. Affected: yes.

All of Us Research Program, National Institutes of Health
Classification: Uncertain significance for Lynch syndrome. Last evaluated: 2023-06-08. Review status: criteria provided, single submitter. Criteria: ACMG Guidelines, 2015. Collection method: clinical testing. Allele origin: germline. Inheritance: Autosomal dominant inheritance. Observed: 1 variant allele, 1 heterozygote.
Comment: This variant causes a T to G nucleotide substitution at the -10 position of intron 9 of the MSH6 gene. Splice site prediction tools suggest that this variant may impact RNA splicing. To our knowledge, functional studies have not been reported for this variant. This variant has not been reported in individuals affected with MSH6-related disorders in the literature. This variant has not been identified in the general population by the Genome Aggregation Database (gnomAD). The available evidence is insufficient to determine the role of this variant in disease conclusively. Therefore, this variant is classified as a Variant of Uncertain Significance.

This study involves interpretation of variants in research participants for the purpose of population health screening. Participant phenotype was not available at the time of variant classification. Additional details can be found in publication PMID: 35346344, PMCID: PMC8962531

GeneDx
Classification: Uncertain significance. Last evaluated: 2017-08-07. Review status: criteria provided, single submitter. Criteria: GeneDx Variant Classification (06012015). Collection method: clinical testing. Allele origin: germline. Affected: yes.
Comment: This variant is denoted MSH6 c.4002-10T>G or IVS9-10T>G and consists of a T>G nucleotide substitution at the -10 position of intron 9 of the MSH6 gene. Multiple in silico models predict this variant to destroy the nearby natural acceptor site, and to possibly cause abnormal gene splicing. This variant has not, to our knowledge, been published in the literature as pathogenic or benign. MSH6 c.4002-10T>G was not observed in approximately 6,500 individuals of European and African American ancestry in the NHLBI Exome Sequencing Project, suggesting it is not a common benign variant in these populations. The nucleotide that is altered is not conserved across species. Based on currently available information, it is unclear whether MSH6 c.4002-10T>G is pathogenic or benign. We consider it to be a variant of uncertain significance.

NM_000179.3(MSH6):c.4002-10T>G

Gene: MSH6 (mutS homolog 6; plus strand). Cytogenetic location: 2p16.3.
Variant type: single nucleotide variant.
Coding change: c.4002-10T>G on transcript NM_000179.3 (MANE Select); 10 bases into the intron before coding-DNA position 4002, T replaced by G.
Molecular consequence: intron variant.
Genome position (GRCh38, 1-based): chr2:47,806,769, T>G. VCF-style: chr2-47806769-T-G. GRCh37 (hg19) VCF-style: chr2-48033908-T-G.
Other names: c.3096-10T>G (NM_001281493.2, NM_001281494.2); c.3612-10T>G (NM_001281492.2).
Identifiers: ClinVar variation 419462 (VCV000419462.15), dbSNP rs545466048, ClinGen allele CA16617724.